The following is an entry in ClinVar:

ClinVar aggregate classification (germline): Uncertain significance (1 of 4 stars; one submission).

Conditions:
Inborn genetic diseases. Identifiers: MedGen C0950123, MeSH D030342.

Submission:

Ambry Genetics
Classification: Uncertain significance for Inborn genetic diseases. Last evaluated: 2023-09-26. Review status: criteria provided, single submitter. Criteria: Ambry Variant Classification Scheme 2023. Collection method: clinical testing. Allele origin: germline.
Comment: The c.3156G>T (p.K1052N) alteration is located in exon 23 (coding exon 23) of the FLT4 gene. This alteration results from a G to T substitution at nucleotide position 3156, causing the lysine (K) at amino acid position 1052 to be replaced by an asparagine (N). This variant was not reported in population-based cohorts in the Genome Aggregation Database (gnomAD). This amino acid position is highly conserved in available vertebrate species. The in silico prediction for this alteration is inconclusive. Based on insufficient or conflicting evidence, the clinical significance of this alteration remains unclear.

NM_182925.5(FLT4):c.3156G>T (p.Lys1052Asn)

Gene: FLT4 (fms related receptor tyrosine kinase 4; minus strand). Cytogenetic location: 5q35.3.
Variant type: single nucleotide variant.
Coding change: c.3156G>T on transcript NM_182925.5 (MANE Select); coding-DNA position 3156, G replaced by T.
Protein change: p.Lys1052Asn; replaces lysine 1052 with asparagine.
Molecular consequence: missense variant.
Genome position (GRCh38, 1-based): chr5:180,616,430, C>A on the plus strand (G>T on the coding strand, the complement: FLT4 is on the minus strand). VCF-style: chr5-180616430-C-A. GRCh37 (hg19) VCF-style: chr5-180043430-C-A.
Other names: c.3156G>T, p.Lys1052Asn (NM_001354989.2, NM_002020.5); short protein forms K1052N.
Identifiers: ClinVar variation 2620864 (VCV002620864.2), dbSNP rs2480865141, ClinGen allele CA362500510.